The following is an entry in ClinVar:

NM_000091.5(COL4A3):c.1006G>A (p.Gly336Ser)

Genes: COL4A3 (collagen type IV alpha 3 chain; plus strand), MFF-DT (MFF divergent transcript; minus strand). Cytogenetic location: 2q36.3.
Variant type: single nucleotide variant.
Coding change: c.1006G>A on transcript NM_000091.5 (MANE Select); coding-DNA position 1006, G replaced by A.
Protein change: p.Gly336Ser; replaces glycine 336 with serine.
Molecular consequence: missense variant.
Genome position (GRCh38, 1-based): chr2:227,257,621, G>A. VCF-style: chr2-227257621-G-A. GRCh37 (hg19) VCF-style: chr2-228122337-G-A.
Other names: short protein forms G336S.
Identifiers: ClinVar variation 2698486 (VCV002698486.3), dbSNP rs1559873550, ClinGen allele CA350867526.

ClinVar aggregate classification (germline): Uncertain significance (1 of 4 stars; one submission).

Submission:

Labcorp Genetics (formerly Invitae), Labcorp
Classification: Uncertain significance. Last evaluated: 2023-11-24. Review status: criteria provided, single submitter. Criteria: Invitae Variant Classification Sherloc (09022015). Collection method: clinical testing. Allele origin: germline.
Comment: This sequence change replaces glycine, which is neutral and non-polar, with serine, which is neutral and polar, at codon 336 of the COL4A3 protein (p.Gly336Ser). This variant is not present in population databases (gnomAD no frequency). This variant has not been reported in the literature in individuals affected with COL4A3-related conditions. Advanced modeling of protein sequence and biophysical properties (such as structural, functional, and spatial information, amino acid conservation, physicochemical variation, residue mobility, and thermodynamic stability) has been performed at Invitae for this missense variant, however the output from this modeling did not meet the statistical confidence thresholds required to predict the impact of this variant on COL4A3 protein function. This variant disrupts the p.Gly336 amino acid residue in COL4A3. Other variant(s) that disrupt this residue have been determined to be pathogenic (PMID: 24033287, 28632965, 32860008). This suggests that this residue is clinically significant, and that variants that disrupt this residue are likely to be disease-causing. In summary, the available evidence is currently insufficient to determine the role of this variant in disease. Therefore, it has been classified as a Variant of Uncertain Significance.

Literature cited by the submitters: PubMed 24033287; PubMed 28632965; PubMed 32860008.